The following is an entry in ClinVar:

NM_013275.6(ANKRD11):c.7702C>T (p.Leu2568=)

Gene: ANKRD11 (ankyrin repeat domain 11; minus strand). Cytogenetic location: 16q24.3.
Variant type: single nucleotide variant.
Coding change: c.7702C>T on transcript NM_013275.6 (MANE Select); coding-DNA position 7702, C replaced by T.
Protein change: p.Leu2568=; no amino-acid change (leucine 2568 retained).
Molecular consequence: synonymous variant.
Genome position (GRCh38, 1-based): chr16:89,274,825, G>A on the plus strand (C>T on the coding strand, the complement: ANKRD11 is on the minus strand). VCF-style: chr16-89274825-G-A. GRCh37 (hg19) VCF-style: chr16-89341233-G-A.
Other names: c.7702C>T, p.Leu2568= (NM_001256182.2, NM_001256183.2).
Identifiers: ClinVar variation 1078591 (VCV001078591.14), dbSNP rs758502813, ClinGen allele CA8241057.

ClinVar aggregate classification (germline): Likely benign. Review status: criteria provided, multiple submitters, no conflicts (2 of 4 stars). 4 submissions from 4 submitters: Likely benign (3). 1 of the submissions does not count toward it. Last evaluated 2025-11-03.

Conditions:
KBG syndrome (KBGS). Also called: ANKRD11-Related KBG Syndrome. Identifiers: Orphanet 2332, MedGen C0220687, MONDO:0007846, OMIM 148050.
ANKRD11-related disorder. Also called: ANKRD11-related condition.

Allele frequency attached by ClinVar (database versions not stated): gnomAD exomes 0.00001 and 0.00004; ExAC 0.00005; TOPMed 0.00008; gnomAD 0.00010 and 0.00011.
gnomAD v4.1: 35 of 1,611,186 alleles (0.0022%); highest among the groups gnomAD compares: African/African-American, 0.029%; no homozygotes.

Submissions (4):

Labcorp Genetics (formerly Invitae), Labcorp
Classification: Likely benign for KBG syndrome. Last evaluated: 2025-11-03. Review status: criteria provided, single submitter. Criteria: Invitae Variant Classification Sherloc (09022015). Collection method: clinical testing. Allele origin: germline.

Blueprint Genetics
Classification: Likely benign. Last evaluated: 2022-06-23. Review status: criteria provided, single submitter. Criteria: ACMG Guidelines, 2015. Collection method: clinical testing. Allele origin: germline.

GeneDx
Classification: Likely benign. Last evaluated: 2021-11-01. Review status: criteria provided, single submitter. Criteria: GeneDx Variant Classification Process June 2021. Collection method: clinical testing. Allele origin: germline. Affected: yes.

PreventionGenetics, part of Exact Sciences
Classification: Likely benign for ANKRD11-related condition. Last evaluated: 2021-08-09. Review status: no assertion criteria provided. Collection method: clinical testing. Allele origin: germline. Not counted in ClinVar's aggregate classification.
Comment: This variant is classified as likely benign based on ACMG/AMP sequence variant interpretation guidelines (Richards et al. 2015 PMID: 25741868, with internal and published modifications).